The following is an entry in ClinVar:

ClinVar aggregate classification (germline): Uncertain significance. Review status: criteria provided, multiple submitters, no conflicts (2 of 4 stars). 2 submissions from 2 submitters: Uncertain significance (2). Last evaluated 2025-05-14.

Conditions:
Inborn genetic diseases. Identifiers: MedGen C0950123, MeSH D030342.

gnomAD v4.1: 2 of 1,613,884 alleles (0.00012%); highest among the groups gnomAD compares: Non-Finnish European, 0.00017%; no homozygotes.

Submissions (2):

Ambry Genetics
Classification: Uncertain significance for Inborn genetic diseases. Last evaluated: 2025-05-14. Review status: criteria provided, single submitter. Criteria: Ambry Variant Classification Scheme 2023. Collection method: clinical testing. Allele origin: germline.

Labcorp Genetics (formerly Invitae), Labcorp
Classification: Uncertain significance. Last evaluated: 2024-10-13. Review status: criteria provided, single submitter. Criteria: Invitae Variant Classification Sherloc (09022015). Collection method: clinical testing. Allele origin: germline.
Comment: This sequence change replaces aspartic acid, which is acidic and polar, with asparagine, which is neutral and polar, at codon 1368 of the MYH9 protein (p.Asp1368Asn). This variant is not present in population databases (gnomAD no frequency). This variant has not been reported in the literature in individuals affected with MYH9-related conditions. Invitae Evidence Modeling of protein sequence and biophysical properties (such as structural, functional, and spatial information, amino acid conservation, physicochemical variation, residue mobility, and thermodynamic stability) indicates that this missense variant is not expected to disrupt MYH9 protein function with a negative predictive value of 95%. In summary, the available evidence is currently insufficient to determine the role of this variant in disease. Therefore, it has been classified as a Variant of Uncertain Significance.

NM_002473.6(MYH9):c.4102G>A (p.Asp1368Asn)

Gene: MYH9 (myosin heavy chain 9; minus strand). Cytogenetic location: 22q12.3.
Variant type: single nucleotide variant.
Coding change: c.4102G>A on transcript NM_002473.6 (MANE Select); coding-DNA position 4102, G replaced by A.
Protein change: p.Asp1368Asn; replaces aspartic acid 1368 with asparagine.
Molecular consequence: missense variant.
Genome position (GRCh38, 1-based): chr22:36,292,228, C>T on the plus strand (G>A on the coding strand, the complement: MYH9 is on the minus strand). VCF-style: chr22-36292228-C-T. GRCh37 (hg19) VCF-style: chr22-36688274-C-T.
Other names: c.4102G>A (NM_002473.4); short protein forms D1368N.
Identifiers: ClinVar variation 3615386 (VCV003615386.3).
Genomic context (GRCh38, chr22:36,292,228, plus strand): 5'-TCTTCACCTCCTCAGCAGTTTCCAGGCACCCCACACTGTCCTCCATCTTCTTTTTCATGT[C>T]GGCCACCTGGGCAGGAGCAAGGAGTAAGCAGATGCCCGAGATGGCACCTGCTCAGGTGGC-3'
Protein context (NP_002464.1, residues 1358-1378): QIATLHAQVA[Asp1368Asn]MKKKMEDSVG